The following is an entry in ClinVar:

NM_133433.4(NIPBL):c.1056C>T (p.Ser352=)

Gene: NIPBL (NIPBL cohesin loading factor; plus strand). Cytogenetic location: 5p13.2.
Variant type: single nucleotide variant.
Coding change: c.1056C>T on transcript NM_133433.4 (MANE Select); coding-DNA position 1056, C replaced by T.
Protein change: p.Ser352=; no amino-acid change (serine 352 retained).
Molecular consequence: synonymous variant.
Genome position (GRCh38, 1-based): chr5:36,975,963, C>T. VCF-style: chr5-36975963-C-T. GRCh37 (hg19) VCF-style: chr5-36976065-C-T.
Other names: c.1056C>T, p.Ser352= (NM_015384.5).
Identifiers: ClinVar variation 159026 (VCV000159026.44), dbSNP rs200440893, ClinGen allele CA172642.

ClinVar aggregate classification (germline): Benign/Likely benign. Review status: criteria provided, multiple submitters, no conflicts (2 of 4 stars). 7 submissions from 7 submitters: Benign (2); Likely benign (5). Last evaluated 2026-04-01.

Conditions:
Inborn genetic diseases. Identifiers: MedGen C0950123, MeSH D030342.
Cornelia de Lange syndrome 1 (CDLS1). Also called: TYPUS DEGENERATIVUS AMSTELODAMENSIS; NIPBL-Related Cornelia de Lange Syndrome; Brachmann de Lange syndrome. Identifiers: Orphanet 199, MedGen C4551851, MONDO:0007387, OMIM 122470.

Allele frequency attached by ClinVar (database versions not stated): 1000 Genomes Project 0.00020; gnomAD exomes 0.00022 and 0.00052; ExAC 0.00025; TOPMed 0.00012; gnomAD 0.00013 and 0.00014; ESP Exome Variant Server 0.00015; 1000 Genomes Project 30x 0.00016.
gnomAD v4.1: 771 of 1,613,922 alleles (0.048%); highest among the groups gnomAD compares: Non-Finnish European, 0.063%; no homozygotes.

Submissions (7):

CeGaT Center for Human Genetics Tuebingen
Classification: Likely benign. Last evaluated: 2026-04-01. Review status: criteria provided, single submitter. Criteria: CeGaT Center For Human Genetics Tuebingen Variant Classification Criteria Version 2. Collection method: clinical testing. Allele origin: germline. Affected: yes. Observed: 4 variant alleles.
Comment: NIPBL: BP4, BP7

Labcorp Genetics (formerly Invitae), Labcorp
Classification: Likely benign for Cornelia de Lange syndrome 1. Last evaluated: 2025-10-07. Review status: criteria provided, single submitter. Criteria: Invitae Variant Classification Sherloc (09022015). Collection method: clinical testing. Allele origin: germline.

Blueprint Genetics
Classification: Likely benign. Last evaluated: 2024-08-07. Review status: criteria provided, single submitter. Criteria: ACMG Guidelines, 2015. Collection method: clinical testing. Allele origin: germline.

Genome-Nilou Lab
Classification: Benign for Cornelia de Lange syndrome 1. Last evaluated: 2021-07-15. Review status: criteria provided, single submitter. Criteria: ACMG Guidelines, 2015. Collection method: clinical testing. Allele origin: germline. Affected: no.

Illumina Laboratory Services, Illumina
Classification: Likely benign for Cornelia de Lange syndrome 1. Last evaluated: 2018-01-12. Review status: criteria provided, single submitter. Criteria: ICSL Variant Classification Criteria 13 December 2019. Collection method: clinical testing. Allele origin: germline.
Comment: This variant was observed in the ICSL laboratory as part of a predisposition screen in an ostensibly healthy population. It had not been previously curated by ICSL or reported in the Human Gene Mutation Database (HGMD: prior to June 1st, 2018), and was therefore a candidate for classification through an automated scoring system. Utilizing variant allele frequency, disease prevalence and penetrance estimates, and inheritance mode, an automated score was calculated to assess if this variant is too frequent to cause the disease. Based on the score and internal cut-off values, a variant classified as likely benign is not then subjected to further curation. The score for this variant resulted in a classification of likely benign for this disease.

Ambry Genetics
Classification: Likely benign for Inborn genetic diseases. Last evaluated: 2017-02-20. Review status: criteria provided, single submitter. Criteria: Ambry Variant Classification Scheme 2023. Collection method: clinical testing. Allele origin: germline.

Genetic Services Laboratory, University of Chicago
Classification: Benign. Last evaluated: 2013-02-08. Review status: criteria provided, single submitter. Criteria: ACMG Guidelines, 2007. Collection method: clinical testing. Allele origin: germline. Inheritance: Autosomal dominant inheritance.